The following is an entry in ClinVar:

ClinVar aggregate classification (germline): Uncertain significance. Review status: criteria provided, multiple submitters, no conflicts (2 of 4 stars). 4 submissions from 4 submitters: Uncertain significance (4). Last evaluated 2026-02-06.

Conditions:
COL18A1-related disorder. Also called: COL18A1-related disorders; COL18A1-related condition.
Inborn genetic diseases. Identifiers: MedGen C0950123, MeSH D030342.

Allele frequency attached by ClinVar (database versions not stated): TOPMed 0.00003; gnomAD exomes 0.00004 and 0.00005; gnomAD 0.00007 and 0.00008; ExAC 0.00008.
gnomAD v4.1: 75 of 1,599,762 alleles (0.0047%); highest among the groups gnomAD compares: African/African-American, 0.008%; no homozygotes.

Submissions (4):

PreventionGenetics, part of Exact Sciences
Classification: Uncertain significance for COL18A1-related condition. Last evaluated: 2026-02-06. Review status: criteria provided, single submitter. Criteria: ACMG Guidelines, 2015. Collection method: clinical testing. Allele origin: germline.
Comment: The COL18A1 c.3142G>A variant is predicted to result in the amino acid substitution p.Gly1048Arg. To our knowledge, this variant has not been reported in the literature. This variant is reported in 0.024% of alleles in individuals of European (Finnish) descent in gnomAD. At this time, the clinical significance of this variant is uncertain due to the absence of conclusive functional and genetic evidence.

Blueprint Genetics
Classification: Uncertain significance. Last evaluated: 2024-11-19. Review status: criteria provided, single submitter. Criteria: ACMG Guidelines, 2015. Collection method: clinical testing. Allele origin: germline.

Labcorp Genetics (formerly Invitae), Labcorp
Classification: Uncertain significance. Last evaluated: 2022-08-10. Review status: criteria provided, single submitter. Criteria: Invitae Variant Classification Sherloc (09022015). Collection method: clinical testing. Allele origin: germline.
Comment: This sequence change replaces glycine, which is neutral and non-polar, with arginine, which is basic and polar, at codon 868 of the COL18A1 protein (p.Gly868Arg). This variant is present in population databases (rs754936826, gnomAD 0.02%). This variant has not been reported in the literature in individuals affected with COL18A1-related conditions. ClinVar contains an entry for this variant (Variation ID: 1419879). Experimental studies and prediction algorithms are not available or were not evaluated, and the functional significance of this variant is currently unknown. In summary, the available evidence is currently insufficient to determine the role of this variant in disease. Therefore, it has been classified as a Variant of Uncertain Significance.

Ambry Genetics
Classification: Uncertain significance for Inborn genetic diseases. Last evaluated: 2021-08-17. Review status: criteria provided, single submitter. Criteria: Ambry Variant Classification Scheme 2023. Collection method: clinical testing. Allele origin: germline.

NM_001379500.1(COL18A1):c.2602G>A (p.Gly868Arg)

Gene: COL18A1 (collagen type XVIII alpha 1 chain; plus strand). Cytogenetic location: 21q22.3.
Variant type: single nucleotide variant.
Coding change: c.2602G>A on transcript NM_001379500.1 (MANE Select); coding-DNA position 2602, G replaced by A.
Protein change: p.Gly868Arg; replaces glycine 868 with arginine.
Molecular consequence: missense variant.
Genome position (GRCh38, 1-based): chr21:45,497,074, G>A. VCF-style: chr21-45497074-G-A. GRCh37 (hg19) VCF-style: chr21-46916988-G-A.
Other names: NM_130445.2:c.2602G>A; c.3142G>A, p.Gly1048Arg (NM_030582.4); c.3847G>A, p.Gly1283Arg (NM_130444.3); c.3142G>A (NM_030582.3); short protein forms G1283R, G868R, G1048R.
Identifiers: ClinVar variation 1419879 (VCV001419879.6), dbSNP rs754936826, ClinGen allele CA10067222.